The following is an entry in ClinVar:

NC_000017.11:g.(?_65529976)_(65558620_?)dup

Gene: AXIN2 (axin 2; minus strand). Cytogenetic location: 17q24.1.
Variant type: Duplication.
Identifiers: ClinVar variation 830519 (VCV000830519.2).

ClinVar aggregate classification (germline): Uncertain significance (1 of 4 stars; one submission).

Conditions:
Oligodontia-cancer predisposition syndrome. Also called: TOOTH AGENESIS-COLORECTAL CANCER SYNDROME. Identifiers: Orphanet 300576, MedGen C1837750, MONDO:0012075, OMIM 608615. Disease mechanism: loss of function.

Submission:

Labcorp Genetics (formerly Invitae), Labcorp
Classification: Uncertain significance for Oligodontia-cancer predisposition syndrome. Last evaluated: 2022-09-29. Review status: criteria provided, single submitter. Criteria: Invitae Variant Classification Sherloc (09022015). Collection method: clinical testing. Allele origin: germline.
Comment: A copy number gain of the genomic region encompassing the full coding sequence of the AXIN2 gene has been identified. The boundaries of this event are unknown as they extend beyond the assayed region for this gene and therefore may encompass additional genes. As the precise location of this event is unknown, it may be in tandem or it may be located elsewhere in the genome. This variant has not been reported in the literature in individuals affected with AXIN2-related conditions. In summary, the available evidence is currently insufficient to determine the role of this variant in disease. Therefore, it has been classified as a Variant of Uncertain Significance.